The following is an entry in ClinVar:

ClinVar aggregate classification (germline): Benign/Likely benign. Review status: criteria provided, multiple submitters, no conflicts (2 of 4 stars). 6 submissions from 6 submitters: Benign (3); Likely benign (3). Last evaluated 2026-01-23.

Conditions:
Polycystic liver disease 1 (PCLD1). Also called: Polycystic liver disease 1 with or without kidney cysts. Identifiers: Orphanet 2924, MedGen C0887850, MONDO:0008265, OMIM 174050.

Allele frequency attached by ClinVar (database versions not stated): TOPMed 0.00493; gnomAD 0.00514 and 0.00533; ESP Exome Variant Server 0.00538; gnomAD exomes 0.00636 and 0.00763; ExAC 0.00644; 1000 Genomes Project 0.00779; 1000 Genomes Project 30x 0.00812.
gnomAD v4.1: 11,894 of 1,612,458 alleles (0.74%); highest among the groups gnomAD compares: South Asian, 1.3%; 60 homozygotes.

Submissions (6):

Labcorp Genetics (formerly Invitae), Labcorp
Classification: Benign. Last evaluated: 2026-01-23. Review status: criteria provided, single submitter. Criteria: Invitae Variant Classification Sherloc (09022015). Collection method: clinical testing. Allele origin: germline.

Blueprint Genetics
Classification: Likely benign. Last evaluated: 2024-11-28. Review status: criteria provided, single submitter. Criteria: ACMG Guidelines, 2015. Collection method: clinical testing. Allele origin: germline.

GeneDx
Classification: Likely benign. Last evaluated: 2018-07-06. Review status: criteria provided, single submitter. Criteria: GeneDx Variant Classification Process June 2021. Collection method: clinical testing. Allele origin: germline. Affected: yes.

Illumina Laboratory Services, Illumina
Classification: Benign for Polycystic liver disease 1. Last evaluated: 2018-01-13. Review status: criteria provided, single submitter. Criteria: ICSL Variant Classification Criteria 13 December 2019. Collection method: clinical testing. Allele origin: germline.
Comment: This variant was observed in the ICSL laboratory as part of a predisposition screen in an ostensibly healthy population. It had not been previously curated by ICSL or reported in the Human Gene Mutation Database (HGMD: prior to June 1st, 2018), and was therefore a candidate for classification through an automated scoring system. Utilizing variant allele frequency, disease prevalence and penetrance estimates, and inheritance mode, an automated score was calculated to assess if this variant is too frequent to cause the disease. Based on the score and internal cut-off values, a variant classified as benign is not then subjected to further curation. The score for this variant resulted in a classification of benign for this disease.

Breakthrough Genomics
Classification: Likely benign. Review status: criteria provided, single submitter. Criteria: ACMG Guidelines, 2015. Collection method: not provided. Allele origin: germline. Inheritance: Autosomal dominant inheritance. Affected: yes.

PreventionGenetics, part of Exact Sciences
Classification: Benign. Review status: criteria provided, single submitter. Criteria: ACMG Guidelines, 2015. Collection method: clinical testing. Allele origin: germline.

NM_001289104.2(PRKCSH):c.1286+14A>G

Gene: PRKCSH (PRKCSH beta subunit of glucosidase II; plus strand). Cytogenetic location: 19p13.2.
Variant type: single nucleotide variant.
Coding change: c.1286+14A>G on transcript NM_001289104.2 (MANE Select); 14 bases into the intron after coding-DNA position 1286, A replaced by G.
Molecular consequence: intron variant.
Genome position (GRCh38, 1-based): chr19:11,448,643, A>G. VCF-style: chr19-11448643-A-G. GRCh37 (hg19) VCF-style: chr19-11559458-A-G.
Other names: c.1286+14A>G (NM_001289103.2); c.1256+14A>G (NM_001379609.1, NM_001001329.3, NM_001289102.2); c.1265+14A>G (NM_001379608.1, NM_002743.3).
Identifiers: ClinVar variation 258791 (VCV000258791.18), dbSNP rs150798392, ClinGen allele CA9213229.
Genomic context (GRCh38, chr19:11,448,643, plus strand): 5'-GAGTTTGCTTACCTGTACAGCCAGTGCTACGAGCTCACCACCAACGAGTGCGTCCCAGGA[A>G]TGCAGGGGCCCCCACTGGCAGGGTGGGAGGCGGGTGGCCCCGGAAGTGGCACCGGCAGTT-3'